The following is an entry in ClinVar:

NM_001358235.2(DCHS2):c.8400G>A (p.Pro2800=)

Genes: DCHS2 (dachsous cadherin-related 2; minus strand), DCHS2-AS1 (DCHS2 antisense RNA 1; plus strand). Cytogenetic location: 4q31.3.
Variant type: single nucleotide variant.
Coding change: c.8400G>A on transcript NM_001358235.2 (MANE Select); coding-DNA position 8400, G replaced by A.
Protein change: p.Pro2800=; no amino-acid change (proline 2800 retained).
Molecular consequence: synonymous variant.
Genome position (GRCh38, 1-based): chr4:154,236,252, C>T on the plus strand (G>A on the coding strand, the complement: DCHS2 is on the minus strand). VCF-style: chr4-154236252-C-T. GRCh37 (hg19) VCF-style: chr4-155157404-C-T.
Identifiers: ClinVar variation 3041244 (VCV003041244.2), dbSNP rs114015145, ClinGen allele CA3111923.

ClinVar aggregate classification (germline): Benign (0 of 4 stars; one submission).

Conditions:
DCHS2-related disorder. Also called: DCHS2-related condition.

Allele frequency attached by ClinVar (database versions not stated): ExAC 0.00215; 1000 Genomes Project 30x 0.00515; 1000 Genomes Project 0.00559; gnomAD 0.00683; TOPMed 0.00770; ESP Exome Variant Server 0.00969.
gnomAD v4.1: 2,175 of 1,613,936 alleles (0.13%); highest among the groups gnomAD compares: African/African-American, 2.5%; 24 homozygotes.

Submission:

PreventionGenetics, part of Exact Sciences
Classification: Benign for DCHS2-related condition. Last evaluated: 2019-06-07. Review status: no assertion criteria provided. Collection method: clinical testing. Allele origin: germline.
Comment: This variant is classified as benign based on ACMG/AMP sequence variant interpretation guidelines (Richards et al. 2015 PMID: 25741868, with internal and published modifications).